The following is an entry in ClinVar:

NM_001368397.1(FRMPD4):c.3097G>A (p.Asp1033Asn)

Gene: FRMPD4 (FERM and PDZ domain containing 4; plus strand). Cytogenetic location: Xp22.2.
Variant type: single nucleotide variant.
Coding change: c.3097G>A on transcript NM_001368397.1 (MANE Select); coding-DNA position 3097, G replaced by A.
Protein change: p.Asp1033Asn; replaces aspartic acid 1033 with asparagine.
Molecular consequence: missense variant.
Genome position (GRCh38, 1-based): chrX:12,717,923, G>A. VCF-style: chrX-12717923-G-A. GRCh37 (hg19) VCF-style: chrX-12736042-G-A.
Other names: c.3208G>A, p.Asp1070Asn (NM_001368395.3, NM_001368398.3); c.3103G>A, p.Asp1035Asn (NM_001368396.3); c.3088G>A, p.Asp1030Asn (NM_001368399.3); c.2977G>A, p.Asp993Asn (NM_001368400.3); c.3073G>A, p.Asp1025Asn (NM_001368401.1, NM_001368402.3); c.3097G>A, p.Asp1033Asn (NM_014728.3); short protein forms D1025N, D1030N, D1033N, D1035N, D1070N, D993N.
Identifiers: ClinVar variation 2660010 (VCV002660010.25), dbSNP rs772365939, ClinGen allele CA10349558.
Genomic context (GRCh38, chrX:12,717,923, plus strand): 5'-AAACTGCACATGGGGTCGGTGGCATACTCCTGCACTAGCAAAAGGAAAAGCAAGCTGGCC[G>A]ATGGTGAGGGGAAGGCACCCCCTAATGGGAACACAACAGGAAAAAAACAGCAGGGGACCA-3'
Protein context (NP_001355326.1, residues 1023-1043): CTSKRKSKLA[Asp1033Asn]GEGKAPPNGN

ClinVar aggregate classification (germline): Likely benign. Review status: criteria provided, multiple submitters, no conflicts (2 of 4 stars). 2 submissions from 2 submitters: Likely benign (2). Last evaluated 2024-11-15.

Conditions:
Inborn genetic diseases. Identifiers: MedGen C0950123, MeSH D030342.

Allele frequency attached by ClinVar (database versions not stated): gnomAD 0.00001; TOPMed 0.00002; gnomAD exomes 0.00003; ExAC 0.00007.
gnomAD v4.1: 29 of 1,210,272 alleles (0.0024%); highest among the groups gnomAD compares: South Asian, 0.028%; no homozygotes.

Submissions (2):

Ambry Genetics
Classification: Likely benign for Inborn genetic diseases. Last evaluated: 2024-11-15. Review status: criteria provided, single submitter. Criteria: Ambry Variant Classification Scheme 2023. Collection method: clinical testing. Allele origin: germline.

CeGaT Center for Human Genetics Tuebingen
Classification: Likely benign. Last evaluated: 2023-01-01. Review status: criteria provided, single submitter. Criteria: CeGaT Center For Human Genetics Tuebingen Variant Classification Criteria Version 2. Collection method: clinical testing. Allele origin: germline. Affected: yes. Observed: 1 variant allele.
Comment: FRMPD4: BP4, BS2